The following is an entry in ClinVar:

NM_014639.4(SKIC3):c.466C>T (p.Leu156Phe)

Gene: SKIC3 (SKI3 subunit of superkiller complex; minus strand). Cytogenetic location: 5q15.
Variant type: single nucleotide variant.
Coding change: c.466C>T on transcript NM_014639.4 (MANE Select); coding-DNA position 466, C replaced by T.
Protein change: p.Leu156Phe; replaces leucine 156 with phenylalanine.
Molecular consequence: missense variant.
Genome position (GRCh38, 1-based): chr5:95,540,767, G>A on the plus strand (C>T on the coding strand, the complement: SKIC3 is on the minus strand). VCF-style: chr5-95540767-G-A. GRCh37 (hg19) VCF-style: chr5-94876471-G-A.
Other names: short protein forms L156F.
Identifiers: ClinVar variation 2095378 (VCV002095378.3), dbSNP rs749613390, ClinGen allele CA3347597.
Genomic context (GRCh38, chr5:95,540,767, plus strand): 5'-TATTCTGGTCCTCTGTACTTTCAGCCAGGAACTGAGTCAATTTTCTCCATAGTTGATGAA[G>A]CTCTTCATTTTCTGCACCTTGTTCCTGCCGTGTTTTTATCAACTTGTGCCATGTTCGAGC-3'
Protein context (NP_055454.1, residues 146-166): RQEQGAENEE[Leu156Phe]HQLWRKLTQF

ClinVar aggregate classification (germline): Uncertain significance. Review status: criteria provided, multiple submitters, no conflicts (2 of 4 stars). 2 submissions from 2 submitters: Uncertain significance (2). Last evaluated 2025-08-02.

Conditions:
Inborn genetic diseases. Identifiers: MedGen C0950123, MeSH D030342.

Allele frequency attached by ClinVar (database versions not stated): ExAC 0.00001; gnomAD exomes below 0.00001.
gnomAD v4.1: 3 of 1,614,012 alleles (0.00019%); highest among the groups gnomAD compares: Admixed American, 0.0033%; no homozygotes.

Submissions (2):

Ambry Genetics
Classification: Uncertain significance for Inborn genetic diseases. Last evaluated: 2025-08-02. Review status: criteria provided, single submitter. Criteria: Ambry Variant Classification Scheme 2023. Collection method: clinical testing. Allele origin: germline.

Labcorp Genetics (formerly Invitae), Labcorp
Classification: Uncertain significance. Last evaluated: 2025-02-10. Review status: criteria provided, single submitter. Criteria: Invitae Variant Classification Sherloc (09022015). Collection method: clinical testing. Allele origin: germline.
Comment: This sequence change replaces leucine, which is neutral and non-polar, with phenylalanine, which is neutral and non-polar, at codon 156 of the TTC37 protein (p.Leu156Phe). This variant is present in population databases (rs749613390, gnomAD 0.006%). This variant has not been reported in the literature in individuals affected with TTC37-related conditions. ClinVar contains an entry for this variant (Variation ID: 2095378). An algorithm developed to predict the effect of missense changes on protein structure and function (PolyPhen-2) suggests that this variant is likely to be disruptive. In summary, the available evidence is currently insufficient to determine the role of this variant in disease. Therefore, it has been classified as a Variant of Uncertain Significance.